The following is an entry in ClinVar:

NM_024422.6(DSC2):c.2174C>T (p.Pro725Leu)

Gene: DSC2 (desmocollin 2; minus strand). Cytogenetic location: 18q12.1.
Variant type: single nucleotide variant.
Coding change: c.2174C>T on transcript NM_024422.6 (MANE Select); coding-DNA position 2174, C replaced by T.
Protein change: p.Pro725Leu; replaces proline 725 with leucine.
Molecular consequence: missense variant.
Genome position (GRCh38, 1-based): chr18:31,070,802, G>A on the plus strand (C>T on the coding strand, the complement: DSC2 is on the minus strand). VCF-style: chr18-31070802-G-A. GRCh37 (hg19) VCF-style: chr18-28650768-G-A.
Other names: c.2174C>T, p.Pro725Leu (NM_004949.5); short protein forms P725L.
Identifiers: ClinVar variation 228623 (VCV000228623.4), dbSNP rs876657788, ClinGen allele CA10577046.
Genomic context (GRCh38, chr18:31,070,802, plus strand): 5'-GGAGCTTCTGTGTTTGATACAATTAGGTTCTGCTGGGCTAAATCATCAGGAATTACTTTT[G>A]GTTGTTTAGACGTCCCAGAAGCCCCACAGACCAGCGTAAACAGGATGCCTGGAGGAAGAA-3'
Protein context (NP_077740.1, residues 715-735): VCGASGTSKQ[Pro725Leu]KVIPDDLAQQ

ClinVar aggregate classification (germline): Uncertain significance (1 of 4 stars; one submission).

Submission:

Laboratory for Molecular Medicine, Mass General Brigham Personalized Medicine
Classification: Uncertain significance. Last evaluated: 2015-04-28. Review status: criteria provided, single submitter. Criteria: LMM Criteria. Collection method: clinical testing. Allele origin: germline. Observed: 1 variant allele.
Comment: Variant classified as Uncertain Significance - Favor Benign. The p.Pro725Leu var iant in DSC2 has not been previously reported in individuals with cardiomyopathy or in large population studies. Proline (Pro) at position 725 is not conserved in evolution, and 2 mammals (squirrel monkey and lesser Egyptian jerboa) carry a leucine (Leu) at this position, raising the possibility that this change may be tolerated. In summary, while the clinical significance of the p.Pro725Leu varia nt is uncertain, the presence of the variant amino acid in other species suggest s that it is more likely to be benign.